The following is an entry in ClinVar:

ClinVar aggregate classification (germline): Pathogenic. Review status: criteria provided, multiple submitters, no conflicts (2 of 4 stars). 6 submissions from 6 submitters: Pathogenic (4). 2 of the submissions do not count toward it. Last evaluated 2025-02-19.

Conditions:
Glomerulopathy with fibronectin deposits 2 (GFND2). Identifiers: Orphanet 84090, MedGen C1866075, MONDO:0011165, OMIM 601894.
Spondylometaphyseal dysplasia - Sutcliffe type. Also called: Spondylometaphyseal dysplasia, 'corner fracture' type; Sutcliffe type of spondylometaphyseal dysplasia; Sutcliffe SMD; Spondylometaphyseal Dysplasia, Corner Fracture Type. Identifiers: Orphanet 93315, MedGen C0432221, MONDO:0008479, OMIM 184255.
FN1-related disorder. Also called: FN1-related condition.

Submissions (6):

3billion
Classification: Pathogenic for Glomerulopathy with fibronectin deposits 2. Last evaluated: 2025-02-19. Review status: criteria provided, single submitter. Criteria: ACMG Guidelines, 2015. Collection method: clinical testing. Allele origin: germline. Affected: yes.
Comment: The variant is not observed in the gnomAD v4.1.0 dataset. Predicted Consequence/Location: Missense variant. Missense changes are a common disease-causing mechanism. In silico tool predictions suggest damaging effect of the variant on gene or gene product [REVEL: 0.96 (>=0.6, sensitivity 0.68 and specificity 0.92); 3Cnet: 0.94 (>=0.6, sensitivity 0.72 and precision 0.9)]. The same nucleotide change resulting in the same amino acid change has been previously reported as pathogenic/likely pathogenic with strong evidence (ClinVar ID: VCV000016325 /PMID: 18268355 /3billion dataset). The variant has been observed in multiple (>3) similarly affected unrelated individuals (PMID: 27056061). Therefore, this variant is classified as Pathogenic according to the recommendation of ACMG/AMP guideline.

Labcorp Genetics (formerly Invitae), Labcorp
Classification: Pathogenic. Last evaluated: 2024-10-31. Review status: criteria provided, single submitter. Criteria: Invitae Variant Classification Sherloc (09022015). Collection method: clinical testing. Allele origin: germline.
Comment: This sequence change replaces tyrosine, which is neutral and polar, with cysteine, which is neutral and slightly polar, at codon 973 of the FN1 protein (p.Tyr973Cys). This variant is not present in population databases (gnomAD no frequency). This missense change has been observed in individuals with glomerulopathy with fibronectin deposits (PMID: 18268355, 32939031). It has also been observed to segregate with disease in related individuals. ClinVar contains an entry for this variant (Variation ID: 16325). An algorithm developed to predict the effect of missense changes on protein structure and function (PolyPhen-2) suggests that this variant is likely to be disruptive. For these reasons, this variant has been classified as Pathogenic.

Fulgent Genetics
Classification: Pathogenic for Spondylometaphyseal dysplasia - Sutcliffe type; Glomerulopathy with fibronectin deposits 2. Last evaluated: 2024-02-20. Review status: criteria provided, single submitter. Criteria: ACMG Guidelines, 2015. Collection method: clinical testing. Allele origin: germline.

Victorian Clinical Genetics Services, Murdoch Childrens Research Institute
Classification: Pathogenic for Glomerulopathy with fibronectin deposits 2. Last evaluated: 2019-02-10. Review status: criteria provided, single submitter. Criteria: ACMG Guidelines, 2015. Collection method: clinical testing. Allele origin: unknown. Affected: yes.
Comment: A heterozygous missense variant, NM_212482.3(FN1):c.2918A>G, has been identified in exon 19 of 46 of the FN1 gene (NB: This variant is non-coding in alternative transcripts). The variant is predicted to result in a major amino acid change from tyrosine to cysteine at position 973 of the protein (NP_997647.1(FN1):p.(Tyr973Cys)). The tyrosine residue at this position has very high conservation (100 vertebrates, UCSC), and is located within the Hep III heparin-binding domain (Castelletti, F., et al. (2008)) and fibronectin type III functional domain. In silico predictions for this variant are consistently pathogenic (Polyphen, SIFT, CADD, Mutation Taster). The variant is absent in the gnomAD population database. The variant has been previously described as pathogenic and segregated with disease in multiple families with glomerulopathy with fibronectin deposits (ClinVar, Ohtsubo, H., et al. (2016), Ertoy Baydar, D., et al. (2013)). Based on the information available at the time of curation, this variant has been classified as PATHOGENIC.

PreventionGenetics, part of Exact Sciences
Classification: Pathogenic for FN1-related condition. Last evaluated: 2024-05-29. Review status: no assertion criteria provided. Collection method: clinical testing. Allele origin: germline. Not counted in ClinVar's aggregate classification.
Comment: The FN1 c.2918A>G variant is predicted to result in the amino acid substitution p.Tyr973Cys. This variant has been reported in multiple individuals with glomerulopathy with fibronectin deposits and segregated with the disease in at least one family (see for example, Castelletti et al 2008. PubMed ID: 18268355; Jayasinghe et al 2020. PubMed ID: 32939031). This variant has not been reported in a large population database, indicating this variant is rare. This variant is interpreted as pathogenic.

OMIM
Classification: Pathogenic for GLOMERULOPATHY WITH FIBRONECTIN DEPOSITS 2. Last evaluated: 2008-02-19. Review status: no assertion criteria provided. Collection method: literature only. Allele origin: germline. Not counted in ClinVar's aggregate classification.

Literature cited by the submitters: PubMed 27056061 (cited by 3billion); PubMed 18268355 (cited by 3 submitters); PubMed 32939031 (cited by Labcorp Genetics (formerly Invitae), Labcorp); PubMed 1544672 (cited by OMIM); PubMed 7747733 (cited by OMIM); PubMed 12042895 (cited by OMIM).

NM_212482.4(FN1):c.2918A>G (p.Tyr973Cys)

Gene: FN1 (fibronectin 1; minus strand). Cytogenetic location: 2q35.
Variant type: single nucleotide variant.
Coding change: c.2918A>G on transcript NM_212482.4 (MANE Select); coding-DNA position 2918, A replaced by G.
Protein change: p.Tyr973Cys; replaces tyrosine 973 with cysteine.
Molecular consequence: missense variant.
Genome position (GRCh38, 1-based): chr2:215,406,306, T>C on the plus strand (A>G on the coding strand, the complement: FN1 is on the minus strand). VCF-style: chr2-215406306-T-C. GRCh37 (hg19) VCF-style: chr2-216271029-T-C.
Other names: Y983C; c.2918A>G, p.Tyr973Cys (NM_001306129.2, NM_001365524.2, NM_002026.4 and 13 more transcripts); c.2918A>G (NM_212482.2); short protein forms Y973C.
Identifiers: ClinVar variation 16325 (VCV000016325.12), dbSNP rs137854488, ClinGen allele CA126368.